The following is an entry in ClinVar:

ClinVar aggregate classification (germline): Uncertain significance (1 of 4 stars; one submission).

Submission:

GeneDx
Classification: Uncertain significance. Last evaluated: 2023-06-28. Review status: criteria provided, single submitter. Criteria: GeneDx Variant Classification Process June 2021. Collection method: clinical testing. Allele origin: germline. Affected: yes.
Comment: Not observed at significant frequency in large population cohorts (gnomAD); In silico analysis supports that this missense variant does not alter protein structure/function; Has not been previously published as pathogenic or benign to our knowledge

NM_001378183.1(PIEZO2):c.1809G>T (p.Glu603Asp)

Gene: PIEZO2 (piezo type mechanosensitive ion channel component 2; minus strand). Cytogenetic location: 18p11.22.
Variant type: single nucleotide variant.
Coding change: c.1809G>T on transcript NM_001378183.1 (MANE Select); coding-DNA position 1809, G replaced by T.
Protein change: p.Glu603Asp; replaces glutamic acid 603 with aspartic acid.
Molecular consequence: missense variant.
Genome position (GRCh38, 1-based): chr18:10,791,274, C>A on the plus strand (G>T on the coding strand, the complement: PIEZO2 is on the minus strand). VCF-style: chr18-10791274-C-A. GRCh37 (hg19) VCF-style: chr18-10791272-C-A.
Other names: c.1809G>T, p.Glu603Asp (NM_001410871.1, NM_022068.4); short protein forms E603D.
Identifiers: ClinVar variation 3360520 (VCV003360520.1).